The following is an entry in ClinVar:

NM_001322934.2(NFKB2):c.145-3C>T

Gene: NFKB2 (nuclear factor kappa B subunit 2; plus strand). Cytogenetic location: 10q24.32.
Variant type: single nucleotide variant.
Coding change: c.145-3C>T on transcript NM_001322934.2 (MANE Select); 3 bases into the intron before coding-DNA position 145, C replaced by T.
Molecular consequence: intron variant.
Genome position (GRCh38, 1-based): chr10:102,396,722, C>T. VCF-style: chr10-102396722-C-T. GRCh37 (hg19) VCF-style: chr10-104156479-C-T.
Other names: c.145-3C>T (NM_001288724.1, NM_001322935.1, NM_001077494.3 and 2 more transcripts).
Identifiers: ClinVar variation 2837376 (VCV002837376.3), dbSNP rs2544577167, ClinGen allele CA2739275973.

ClinVar aggregate classification (germline): Uncertain significance (1 of 4 stars; one submission).

Conditions:
Immunodeficiency, common variable, 10. Also called: IMMUNODEFICIENCY, COMMON VARIABLE, WITH CENTRAL ADRENAL INSUFFICIENCY; DEFICIT IN ANTERIOR PITUITARY FUNCTION AND VARIABLE IMMUNODEFICIENCY. Identifiers: MedGen C3809991, MONDO:0014260, OMIM 615577.

Submission:

Labcorp Genetics (formerly Invitae), Labcorp
Classification: Uncertain significance for Immunodeficiency, common variable, 10. Last evaluated: 2023-05-21. Review status: criteria provided, single submitter. Criteria: Invitae Variant Classification Sherloc (09022015). Collection method: clinical testing. Allele origin: germline.
Comment: Variants that disrupt the consensus splice site are a relatively common cause of aberrant splicing (PMID: 17576681, 9536098). Algorithms developed to predict the effect of sequence changes on RNA splicing suggest that this variant may disrupt the consensus splice site. This sequence change falls in intron 4 of the NFKB2 gene. It does not directly change the encoded amino acid sequence of the NFKB2 protein. It affects a nucleotide within the consensus splice site. This variant is not present in population databases (gnomAD no frequency). This variant has not been reported in the literature in individuals affected with NFKB2-related conditions. In summary, the available evidence is currently insufficient to determine the role of this variant in disease. Therefore, it has been classified as a Variant of Uncertain Significance.

Literature cited by the submitters: PubMed 17576681; PubMed 9536098.